The following is an entry in ClinVar:

NM_181882.3(PRX):c.861C>T (p.Ala287=)

Gene: PRX (periaxin; minus strand). Cytogenetic location: 19q13.2.
Variant type: single nucleotide variant.
Coding change: c.861C>T on transcript NM_181882.3 (MANE Select); coding-DNA position 861, C replaced by T.
Protein change: p.Ala287=; no amino-acid change (alanine 287 retained).
Molecular consequence: synonymous variant. On other transcripts: 3 prime UTR variant (1).
Genome position (GRCh38, 1-based): chr19:40,397,491, G>A on the plus strand (C>T on the coding strand, the complement: PRX is on the minus strand). VCF-style: chr19-40397491-G-A. GRCh37 (hg19) VCF-style: chr19-40903398-G-A.
Other names: c.*1066C>T (NM_020956.2); c.861C>T (NM_181882.2).
Identifiers: ClinVar variation 916925 (VCV000916925.8), dbSNP rs535958285, ClinGen allele CA9444366.

ClinVar aggregate classification (germline): Likely benign. Review status: criteria provided, multiple submitters, no conflicts (2 of 4 stars). 3 submissions from 3 submitters: Likely benign (2). 1 of the submissions does not count toward it. Last evaluated 2024-09-17.

Conditions:
Charcot-Marie-Tooth disease. Also called: Charcot-Marie-Tooth Hereditary Neuropathy; Charcot-Marie-Tooth Neuropathy. Identifiers: Orphanet 166, MedGen C0007959, MONDO:0015626.
PRX-related disorder. Also called: PRX-Related Disorders; PRX-related condition.
Charcot-Marie-Tooth disease type 4. Also called: Charcot-Marie-Tooth, Type 4; Charcot-Marie-Tooth disease, type IV. Identifiers: Orphanet 64749, MedGen C4082197, MONDO:0018995.

Allele frequency attached by ClinVar (database versions not stated): TOPMed 0.00005; 1000 Genomes Project 30x 0.00047; 1000 Genomes Project 0.00060.
gnomAD v4.1: 97 of 1,560,552 alleles (0.0062%); highest among the groups gnomAD compares: South Asian, 0.071%; no homozygotes.

Submissions (3):

Labcorp Genetics (formerly Invitae), Labcorp
Classification: Likely benign for Charcot-Marie-Tooth disease type 4. Last evaluated: 2024-09-17. Review status: criteria provided, single submitter. Criteria: Invitae Variant Classification Sherloc (09022015). Collection method: clinical testing. Allele origin: germline.

Molecular Genetics Laboratory, London Health Sciences Centre
Classification: Likely benign for Charcot-Marie-Tooth disease. Review status: criteria provided, single submitter. Criteria: ACMG Guidelines, 2015. Collection method: clinical testing. Allele origin: germline. Affected: yes.

PreventionGenetics, part of Exact Sciences
Classification: Likely benign for PRX-related condition. Last evaluated: 2019-11-16. Review status: no assertion criteria provided. Collection method: clinical testing. Allele origin: germline. Not counted in ClinVar's aggregate classification.
Comment: This variant is classified as likely benign based on ACMG/AMP sequence variant interpretation guidelines (Richards et al. 2015 PMID: 25741868, with internal and published modifications).